The following is an entry in ClinVar:

NM_022132.5(MCCC2):c.479C>G (p.Ala160Gly)

Gene: MCCC2 (methylcrotonyl-CoA carboxylase subunit 2; plus strand). Cytogenetic location: 5q13.2.
Variant type: single nucleotide variant.
Coding change: c.479C>G on transcript NM_022132.5 (MANE Select); coding-DNA position 479, C replaced by G.
Protein change: p.Ala160Gly; replaces alanine 160 with glycine.
Molecular consequence: missense variant.
Genome position (GRCh38, 1-based): chr5:71,602,601, C>G. VCF-style: chr5-71602601-C-G. GRCh37 (hg19) VCF-style: chr5-70898428-C-G.
Other names: c.479C>G, p.Ala160Gly (NM_001363147.1); short protein forms A160G.
Identifiers: ClinVar variation 1497418 (VCV001497418.8), dbSNP rs2112320728, ClinGen allele CA360010888.

ClinVar aggregate classification (germline): Uncertain significance (1 of 4 stars; one submission).

Conditions:
3-methylcrotonyl-CoA carboxylase 2 deficiency. Also called: METHYLCROTONYLGLYCINURIA, TYPE II; 3 alpha methylcrotonyl-CoA carboxylase 2 deficiency; 3 alpha methylcrotonylglycinuria 2; MCC 2 deficiency; Methylcrotonylglycinuria type 2. Identifiers: Orphanet 6, MedGen C1859499, MONDO:0008862, OMIM 210210.

Submission:

Labcorp Genetics (formerly Invitae), Labcorp
Classification: Uncertain significance for 3-methylcrotonyl-CoA carboxylase 2 deficiency. Last evaluated: 2021-03-13. Review status: criteria provided, single submitter. Criteria: Invitae Variant Classification Sherloc (09022015). Collection method: clinical testing. Allele origin: germline.
Comment: In summary, the available evidence is currently insufficient to determine the role of this variant in disease. Therefore, it has been classified as a Variant of Uncertain Significance. Advanced modeling of protein sequence and biophysical properties (such as structural, functional, and spatial information, amino acid conservation, physicochemical variation, residue mobility, and thermodynamic stability) performed at Invitae indicates that this missense variant is expected to disrupt MCCC2 protein function. This variant has not been reported in the literature in individuals with MCCC2-related conditions. This variant is not present in population databases (ExAC no frequency). This sequence change replaces alanine with glycine at codon 160 of the MCCC2 protein (p.Ala160Gly). The alanine residue is highly conserved and there is a small physicochemical difference between alanine and glycine.